The following is an entry in ClinVar:

NM_004568.6(SERPINB6):c.1022G>A (p.Arg341Gln)

Gene: SERPINB6 (serpin family B member 6; minus strand). Cytogenetic location: 6p25.2.
Variant type: single nucleotide variant.
Coding change: c.1022G>A on transcript NM_004568.6 (MANE Select); coding-DNA position 1022, G replaced by A.
Protein change: p.Arg341Gln; replaces arginine 341 with glutamine.
Molecular consequence: missense variant. On other transcripts: non-coding transcript variant (1).
Genome position (GRCh38, 1-based): chr6:2,948,407, C>T on the plus strand (G>A on the coding strand, the complement: SERPINB6 is on the minus strand). VCF-style: chr6-2948407-C-T. GRCh37 (hg19) VCF-style: chr6-2948641-C-T.
Other names: c.1034G>A, p.Arg345Gln (NM_001195291.3, NM_001374515.1); c.1064G>A, p.Arg355Gln (NM_001271822.2); c.1079G>A, p.Arg360Gln (NM_001271823.2); c.1022G>A, p.Arg341Gln (NM_001271824.2, NM_001271825.2, NM_001297699.2 and 2 more transcripts); c.890G>A, p.Arg297Gln (NM_001374517.1); c.1022G>A (NM_004568.5); short protein forms R360Q, R341Q, R355Q, R297Q, R345Q.
Identifiers: ClinVar variation 1436369 (VCV001436369.9), dbSNP rs760194824, ClinGen allele CA3617369.

ClinVar aggregate classification (germline): Conflicting classifications of pathogenicity. Review status: criteria provided, conflicting classifications (1 of 4 stars). 4 submissions from 4 submitters: Likely pathogenic (1); Uncertain significance (3). Last evaluated 2025-04-11.

Conditions:
Autosomal recessive nonsyndromic hearing loss 91. Identifiers: Orphanet 90636, MedGen C3150704, MONDO:0013269, OMIM 613453.

Allele frequency attached by ClinVar (database versions not stated): ExAC 0.00002; gnomAD 0.00003 and 0.00005; gnomAD exomes 0.00003; TOPMed 0.00004.
gnomAD v4.1: 67 of 1,613,996 alleles (0.0042%); highest among the groups gnomAD compares: Non-Finnish European, 0.0048%; no homozygotes.

Submissions (4):

Department of Otolaryngology-Head and Neck Surgery, Shanghai Jiao Tong University Affiliated Sixth People’s Hospital
Classification: Likely pathogenic for Autosomal recessive nonsyndromic hearing loss 91. Last evaluated: 2025-04-11. Review status: criteria provided, single submitter. Criteria: ACMG Guidelines, 2015. Collection method: clinical testing. Allele origin: germline. Inheritance: Autosomal recessive inheritance. Affected: yes and no. Observed: 1 heterozygote, 2 homozygotes.
Comment: The variant: NM_00119529 1.1: c.1022G>A (p.Arg341Gln); 6-2948641-C-T; Gene: SERPINB6; Genomic Position (GRCh37):6: 2948641; Genomic Position (GRCh38):6: 2948407. 1. The frequency of this variant is extremely low (gnomAD：AF=0.00002829). If the homozygous state of this locus is rare in the healthy population and the heterozygous carrier is normal, it meets the pathogenicity support under the recessive genetic pattern (PM2). 2. 3. Through bioinformatics prediction tools such as MCAP（0.146）, GERP++（2.87）, etc., if the mutation is predicted to be harmful to protein function (such as causing highly conserved amino acid changes or affecting protein domains), its pathogenicity is further supported (PP3). 4. The patients’ phenotype (delayed hearing loss) is consistent with diseases related to SERPINB6 gene function (PP4). According to literature reports (VCV001436369.7, PMID: 33997018), homozygous variants exhibit the same phenotype, while heterozygous variants are normal. Therefore, it has been classified as likely pathogenic.

GeneDx
Classification: Uncertain significance. Last evaluated: 2024-11-11. Review status: criteria provided, single submitter. Criteria: GeneDx Variant Classification Process June 2021. Collection method: clinical testing. Allele origin: germline. Affected: yes.
Comment: In silico analysis indicates that this missense variant does not alter protein structure/function; Has not been previously published as pathogenic or benign to our knowledge; This variant is associated with the following publications: (PMID: 33997018)

Blueprint Genetics
Classification: Uncertain significance. Last evaluated: 2024-07-18. Review status: criteria provided, single submitter. Criteria: ACMG Guidelines, 2015. Collection method: clinical testing. Allele origin: germline.

Labcorp Genetics (formerly Invitae), Labcorp
Classification: Uncertain significance. Last evaluated: 2022-02-05. Review status: criteria provided, single submitter. Criteria: Invitae Variant Classification Sherloc (09022015). Collection method: clinical testing. Allele origin: germline.
Comment: Algorithms developed to predict the effect of missense changes on protein structure and function are either unavailable or do not agree on the potential impact of this missense change (SIFT: "Deleterious"; PolyPhen-2: "Benign"; Align-GVGD: "Class C0"). This variant has not been reported in the literature in individuals affected with SERPINB6-related conditions. This variant is present in population databases (rs760194824, gnomAD 0.005%). This sequence change replaces arginine, which is basic and polar, with glutamine, which is neutral and polar, at codon 341 of the SERPINB6 protein (p.Arg341Gln). Algorithms developed to predict the effect of sequence changes on RNA splicing suggest that this variant may create or strengthen a splice site. In summary, the available evidence is currently insufficient to determine the role of this variant in disease. Therefore, it has been classified as a Variant of Uncertain Significance.